The following is an entry in ClinVar:

NM_012434.5(SLC17A5):c.525+1G>C

Gene: SLC17A5 (solute carrier family 17 member 5; minus strand). Cytogenetic location: 6q13.
Variant type: single nucleotide variant.
Coding change: c.525+1G>C on transcript NM_012434.5 (MANE Select); the canonical splice donor site of the intron after coding-DNA position 525, G replaced by C.
Molecular consequence: splice donor variant.
Genome position (GRCh38, 1-based): chr6:73,641,690, C>G on the plus strand (G>C on the coding strand, the complement: SLC17A5 is on the minus strand). VCF-style: chr6-73641690-C-G. GRCh37 (hg19) VCF-style: chr6-74351413-C-G.
Other names: c.525+1G>C (NM_001382633.1, NM_001382632.1, NM_001382635.1 and 2 more transcripts); c.546+1G>C (NM_001382631.1); c.294+1G>C (NM_001382636.1, NM_001382629.1).
Identifiers: ClinVar variation 4815573 (VCV004815573.1).
Genomic context (GRCh38, chr6:73,641,690, plus strand): 5'-TTTAAGAAGAAGAGAAGGAGACACACGGTAAGAAGTAAAACAAGAGAGAAAAGAAAATTA[C>G]CTCTCCTAGTCCTTCTAGTGCTCTGAGTACAATGAGTGGTCCAACTCCTAAATCTGCAGC-3'

ClinVar aggregate classification (germline): Likely pathogenic (1 of 4 stars; one submission).

Conditions:
Salla disease (SD). Also called: Less Severe FSASD (Salla Disease); Sialuria, Finnish type; N-acetylneuraminic acid (NANA) storage disease (NSD); Infantile sialic acid storage disorder (ISSD). Identifiers: Orphanet 309334, Orphanet 834, MedGen C1096903, MONDO:0011449, OMIM 604369.

Submission:

Natera, Inc.
Classification: Likely pathogenic for Salla disease. Last evaluated: 2024-07-30. Review status: criteria provided, single submitter. Criteria: Natera Variant Classification Schema (03/2026). Collection method: clinical testing. Allele origin: germline.
Comment: The c.525+1G>C variant in SLC17A5 is a canonical splice donor site variant predicted to affect pre-mRNA splicing, which may result in an abnormal transcript and altered protein product. This variant is expected to result in nonsense mediated decay, truncation, or a dysfunctional protein product. This variant is rare in the general population with a frequency below the threshold expected for the associated phenotype(s). Given the available evidence, this variant is classified as Likely Pathogenic.